The following is an entry in ClinVar:

ClinVar aggregate classification (germline): Pathogenic (1 of 4 stars; one submission).

Conditions:
Fanconi anemia (FA). Also called: Fanconi's anemia. Identifiers: Orphanet 84, MedGen C0015625, MeSH D005199, MONDO:0019391.

Submission:

Labcorp Genetics (formerly Invitae), Labcorp
Classification: Pathogenic for Fanconi anemia. Last evaluated: 2022-05-09. Review status: criteria provided, single submitter. Criteria: Invitae Variant Classification Sherloc (09022015). Collection method: clinical testing. Allele origin: germline.
Comment: This variant is a gross deletion of the genomic region encompassing exon(s) 16-36 of the FANCA gene. This deletion is out-of-frame, and is expected to create a premature termination codon and result in an absent or disrupted protein product. Loss-of-function variants in FANCA are known to be pathogenic (PMID: 19367192). This variant has not been reported in the literature in individuals affected with FANCA-related conditions. For these reasons, this variant has been classified as Pathogenic.

Literature cited by the submitters: PubMed 19367192.

NC_000016.9:g.(?_89811347)_(89849530_?)del

Gene: FANCA (FA complementation group A; minus strand). Cytogenetic location: 16q24.3.
Variant type: Deletion.
Identifiers: ClinVar variation 2422409 (VCV002422409.4).